The following is an entry in ClinVar:

NM_015512.5(DNAH1):c.587A>G (p.Lys196Arg)

Gene: DNAH1 (dynein axonemal heavy chain 1; plus strand). Cytogenetic location: 3p21.1.
Variant type: single nucleotide variant.
Coding change: c.587A>G on transcript NM_015512.5 (MANE Select); coding-DNA position 587, A replaced by G.
Protein change: p.Lys196Arg; replaces lysine 196 with arginine.
Molecular consequence: missense variant.
Genome position (GRCh38, 1-based): chr3:52,326,740, A>G. VCF-style: chr3-52326740-A-G. GRCh37 (hg19) VCF-style: chr3-52360756-A-G.
Other names: short protein forms K196R.
Identifiers: ClinVar variation 3752791 (VCV003752791.2).

ClinVar aggregate classification (germline): Uncertain significance (1 of 4 stars; one submission).

Conditions:
Spermatogenic failure 18. Identifiers: MedGen C4539783, MONDO:0054615, OMIM 617576.
Ciliary dyskinesia, primary, 37 (CILD37). Also called: CILIARY DYSKINESIA, PRIMARY, 37, WITH OR WITHOUT SITUS INVERSUS. Identifiers: MedGen C4539798, MONDO:0033204, OMIM 617577.

gnomAD v4.1: 1 of 1,610,038 alleles (0.000062%); highest among the groups gnomAD compares: East Asian, 0.0022%; no homozygotes.

Submission:

Labcorp Genetics (formerly Invitae), Labcorp
Classification: Uncertain significance for Ciliary dyskinesia, primary, 37; Spermatogenic failure 18. Last evaluated: 2025-01-19. Review status: criteria provided, single submitter. Criteria: Invitae Variant Classification Sherloc (09022015). Collection method: clinical testing. Allele origin: germline.
Comment: This sequence change replaces lysine, which is basic and polar, with arginine, which is basic and polar, at codon 196 of the DNAH1 protein (p.Lys196Arg). This variant is not present in population databases (gnomAD no frequency). This variant has not been reported in the literature in individuals affected with DNAH1-related conditions. Invitae Evidence Modeling of protein sequence and biophysical properties (such as structural, functional, and spatial information, amino acid conservation, physicochemical variation, residue mobility, and thermodynamic stability) indicates that this missense variant is not expected to disrupt DNAH1 protein function with a negative predictive value of 80%. In summary, the available evidence is currently insufficient to determine the role of this variant in disease. Therefore, it has been classified as a Variant of Uncertain Significance.